The following is an entry in ClinVar:

NM_000071.3(CBS):c.1382T>G (p.Leu461Arg)

Gene: CBS (cystathionine beta-synthase; minus strand). Cytogenetic location: 21q22.3.
Variant type: single nucleotide variant.
Coding change: c.1382T>G on transcript NM_000071.3 (MANE Select); coding-DNA position 1382, T replaced by G.
Protein change: p.Leu461Arg; replaces leucine 461 with arginine.
Molecular consequence: missense variant.
Genome position (GRCh38, 1-based): chr21:43,058,230, A>C on the plus strand (T>G on the coding strand, the complement: CBS is on the minus strand). VCF-style: chr21-43058230-A-C. GRCh37 (hg19) VCF-style: chr21-44478340-A-C.
Other names: c.1382T>G, p.Leu461Arg (NM_001178008.3, NM_001178009.3, NM_001320298.2); c.1067T>G, p.Leu356Arg (NM_001321072.1); short protein forms L461R, L356R.
Identifiers: ClinVar variation 2045860 (VCV002045860.4), dbSNP rs2517395528, ClinGen allele CA410396781.

ClinVar aggregate classification (germline): Uncertain significance (1 of 4 stars; one submission).

Conditions:
HYPERHOMOCYSTEINEMIA, THROMBOTIC, CBS-RELATED. Identifiers: MedGen C3150344, OMIM 236200.

Submission:

Labcorp Genetics (formerly Invitae), Labcorp
Classification: Uncertain significance for HYPERHOMOCYSTEINEMIA, THROMBOTIC, CBS-RELATED. Last evaluated: 2021-12-18. Review status: criteria provided, single submitter. Criteria: Invitae Variant Classification Sherloc (09022015). Collection method: clinical testing. Allele origin: germline.
Comment: This sequence change replaces leucine, which is neutral and non-polar, with arginine, which is basic and polar, at codon 461 of the CBS protein (p.Leu461Arg). This variant is not present in population databases (gnomAD no frequency). This variant has not been reported in the literature in individuals affected with CBS-related conditions. Algorithms developed to predict the effect of missense changes on protein structure and function are either unavailable or do not agree on the potential impact of this missense change (SIFT: "Deleterious"; PolyPhen-2: "Benign"; Align-GVGD: "Class C0"). In summary, the available evidence is currently insufficient to determine the role of this variant in disease. Therefore, it has been classified as a Variant of Uncertain Significance.